The following is an entry in ClinVar:

ClinVar aggregate classification (germline): Benign. Review status: criteria provided, multiple submitters, no conflicts (2 of 4 stars). 2 submissions from 2 submitters: Benign (2). Last evaluated 2026-01-20.

Conditions:
Immunodeficiency 51 (IMD51). Also called: CANDIDIASIS, FAMILIAL, 5. Identifiers: Orphanet 1334, MedGen C4310803, MONDO:0013500, OMIM 613953.

Allele frequency attached by ClinVar (database versions not stated): gnomAD 0.00018 and 0.00031; TOPMed 0.00028; gnomAD exomes 0.00031 and 0.00058; ExAC 0.00102; 1000 Genomes Project 30x 0.00219; 1000 Genomes Project 0.00280.
gnomAD v4.1: 510 of 1,605,608 alleles (0.032%); highest among the groups gnomAD compares: East Asian, 1.1%; 3 homozygotes.

Submissions (2):

Labcorp Genetics (formerly Invitae), Labcorp
Classification: Benign for Immunodeficiency 51. Last evaluated: 2026-01-20. Review status: criteria provided, single submitter. Criteria: Invitae Variant Classification Sherloc (09022015). Collection method: clinical testing. Allele origin: germline.

Illumina Laboratory Services, Illumina
Classification: Benign for Immunodeficiency 51. Last evaluated: 2017-04-27. Review status: criteria provided, single submitter. Criteria: ICSL Variant Classification Criteria 13 December 2019. Collection method: clinical testing. Allele origin: germline.
Comment: This variant was observed as part of a predisposition screen in an ostensibly healthy population. A literature search was performed for the gene, cDNA change, and amino acid change (where applicable). No publications were found based on this search. Allele frequency data from public databases was too high to be consistent with this variant causing disease. Therefore, this variant is classified as benign.

NM_014339.7(IL17RA):c.2389A>G (p.Ile797Val)

Gene: IL17RA (interleukin 17 receptor A; plus strand). Cytogenetic location: 22q11.1.
Variant type: single nucleotide variant.
Coding change: c.2389A>G on transcript NM_014339.7 (MANE Select); coding-DNA position 2389, A replaced by G.
Protein change: p.Ile797Val; replaces isoleucine 797 with valine.
Molecular consequence: missense variant.
Genome position (GRCh38, 1-based): chr22:17,109,608, A>G. VCF-style: chr22-17109608-A-G. GRCh37 (hg19) VCF-style: chr22-17590498-A-G.
Other names: c.2287A>G, p.Ile763Val (NM_001289905.2); short protein forms I763V, I797V.
Identifiers: ClinVar variation 733514 (VCV000733514.14), dbSNP rs74827998, ClinGen allele CA10086980.